The following is an entry in ClinVar:

NM_000321.3(RB1):c.891del (p.Pro298fs)

Gene: RB1 (RB transcriptional corepressor 1; plus strand). Cytogenetic location: 13q14.2.
Variant type: Deletion.
Coding change: c.891del on transcript NM_000321.3 (MANE Select); coding-DNA position 891, one base deleted (A; older notation c.891delA).
Protein change: p.Pro298fs; shifts the reading frame from proline 298.
Molecular consequence: frameshift variant.
Genome position (GRCh38, 1-based): chr13:48,364,923, A deleted. VCF-style (leftmost placement, unchanged base first): chr13-48364922-TA-T. GRCh37 (hg19) VCF-style: chr13-48939058-TA-T.
Other names: c.891del, p.Pro298fs (NM_001407165.1, NM_001407166.1); short protein forms P298fs.
Identifiers: ClinVar variation 3236937 (VCV003236937.1), dbSNP rs2542185063.

ClinVar aggregate classification (germline): Pathogenic (1 of 4 stars; one submission).

Conditions:
Retinoblastoma (RB1). Also called: RETINOBLASTOMA, SOMATIC. Identifiers: Orphanet 790, MedGen C0035335, MeSH D012175, MONDO:0008380, OMIM 180200, HP:0009919. Disease mechanism: loss of function. Inheritance: Both sporadic and heritable forms are tested..

Submission:

Genetic Diagnostic Laboratory, University of Pennsylvania School of Medicine
Classification: Pathogenic for Retinoblastoma. Last evaluated: 2024-05-20. Review status: criteria provided, single submitter. Criteria: ACMG Guidelines, 2015. Collection method: clinical testing. Allele origin: germline. Affected: yes. Observed: 1 variant allele.
Comment: Case and Pedigree Information: BILATERAL CASES:1, UNILATERAL CASES:0, TOTAL CASES:1, PEDIGREES:1. ACMG Codes Applied:PVS1, PM2